The following is an entry in ClinVar:

ClinVar aggregate classification (germline): Uncertain significance (1 of 4 stars; one submission).

Conditions:
Inborn genetic diseases. Identifiers: MedGen C0950123, MeSH D030342.

Allele frequency attached by ClinVar (database versions not stated): gnomAD 0.00001; gnomAD exomes 0.00001; TOPMed 0.00002.
gnomAD v4.1: 11 of 1,597,670 alleles (0.00069%); highest among the groups gnomAD compares: African/African-American, 0.0013%; no homozygotes.

Submission:

Ambry Genetics
Classification: Uncertain significance for Inborn genetic diseases. Last evaluated: 2023-03-11. Review status: criteria provided, single submitter. Criteria: Ambry Variant Classification Scheme 2023. Collection method: clinical testing. Allele origin: germline.
Comment: The p.T481M variant (also known as c.1442C>T), located in coding exon 10 of the EPAS1 gene, results from a C to T substitution at nucleotide position 1442. The threonine at codon 481 is replaced by methionine, an amino acid with similar properties. This amino acid position is conserved. In addition, this alteration is predicted to be tolerated by in silico analysis. Since supporting evidence is limited at this time, the clinical significance of this alteration remains unclear.

NM_001430.5(EPAS1):c.1442C>T (p.Thr481Met)

Gene: EPAS1 (endothelial PAS domain protein 1; plus strand). Cytogenetic location: 2p21.
Variant type: single nucleotide variant.
Coding change: c.1442C>T on transcript NM_001430.5 (MANE Select); coding-DNA position 1442, C replaced by T.
Protein change: p.Thr481Met; replaces threonine 481 with methionine.
Molecular consequence: missense variant.
Genome position (GRCh38, 1-based): chr2:46,378,086, C>T. VCF-style: chr2-46378086-C-T. GRCh37 (hg19) VCF-style: chr2-46605225-C-T.
Other names: short protein forms T481M.
Identifiers: ClinVar variation 2497555 (VCV002497555.2), dbSNP rs1298963040, ClinGen allele CA346704097.
Genomic context (GRCh38, chr2:46,378,086, plus strand): 5'-AGGCAGCTGCCCCGGGCAGCACCACCCCCAGTGCCACCAGCAGCAGCAGCAGCTGCTCCA[C>T]GGTGAGCAGCCCTCTTATGGCGAGGACACAGAGAGGGCTCCGTATGTATGACTGCTGCCA-3'
Protein context (NP_001421.2, residues 471-491): SATSSSSSCS[Thr481Met]PNSPEDYYTS